The following is an entry in ClinVar:

ClinVar aggregate classification (germline): Likely benign (0 of 4 stars; one submission).

Conditions:
CRYAA-related disorder. Also called: CRYAA-related condition.

Allele frequency attached by ClinVar (database versions not stated): ExAC 0.00002.

Submission:

PreventionGenetics, part of Exact Sciences
Classification: Likely benign for CRYAA-related condition. Last evaluated: 2021-12-15. Review status: no assertion criteria provided. Collection method: clinical testing. Allele origin: germline.
Comment: This variant is classified as likely benign based on ACMG/AMP sequence variant interpretation guidelines (Richards et al. 2015 PMID: 25741868, with internal and published modifications).

NM_000394.4(CRYAA):c.285G>A (p.Glu95=)

Gene: CRYAA (crystallin alpha A; plus strand). Cytogenetic location: 21q22.3.
Variant type: single nucleotide variant.
Coding change: c.285G>A on transcript NM_000394.4 (MANE Select); coding-DNA position 285, G replaced by A.
Protein change: p.Glu95=; no amino-acid change (glutamic acid 95 retained).
Molecular consequence: synonymous variant.
Genome position (GRCh38, 1-based): chr21:43,170,612, G>A. VCF-style: chr21-43170612-G-A. GRCh37 (hg19) VCF-style: chr21-44590722-G-A.
Other names: c.174G>A, p.Glu58= (NM_001363766.1).
Identifiers: ClinVar variation 3030260 (VCV003030260.2), dbSNP rs758146476, ClinGen allele CA321169272.